The following is an entry in ClinVar:

ClinVar aggregate classification (germline): Conflicting classifications of pathogenicity. Review status: criteria provided, conflicting classifications (1 of 4 stars). 3 submissions from 3 submitters: Uncertain significance (1); Likely benign (2). Last evaluated 2025-03-26.

Conditions:
Fanconi-Bickel syndrome (FBS). Also called: Glycogen storage disease due to GLUT2 deficiency; PSEUDO-PHLORIZIN DIABETES; FANCONI SYNDROME WITH INTESTINAL MALABSORPTION AND GALACTOSE INTOLERANCE; HEPATIC GLYCOGENOSIS WITH AMINO ACIDURIA AND GLUCOSURIA; HEPATIC GLYCOGENOSIS WITH FANCONI NEPHROPATHY; HEPATORENAL GLYCOGENOSIS WITH RENAL FANCONI SYNDROME. Identifiers: Orphanet 2088, MedGen C3495427, MONDO:0009216, OMIM 227810.
Type 2 diabetes mellitus. Also called: Type II diabetes mellitus. Identifiers: MedGen C0011860, MeSH D003924, MONDO:0005148, OMIM 125853, HP:0005978.

Allele frequency attached by ClinVar (database versions not stated): gnomAD exomes 0.00004 and 0.00001; TOPMed 0.00005; ESP Exome Variant Server 0.00008; gnomAD 0.00004.
gnomAD v4.1: 65 of 1,612,492 alleles (0.004%); highest among the groups gnomAD compares: Middle Eastern, 0.016%; 1 homozygote.

Submissions (3):

Labcorp Genetics (formerly Invitae), Labcorp
Classification: Likely benign for Fanconi-Bickel syndrome. Last evaluated: 2025-03-26. Review status: criteria provided, single submitter. Criteria: Invitae Variant Classification Sherloc (09022015). Collection method: clinical testing. Allele origin: germline.

Fulgent Genetics
Classification: Uncertain significance for Type 2 diabetes mellitus; Fanconi-Bickel syndrome. Last evaluated: 2024-06-09. Review status: criteria provided, single submitter. Criteria: ACMG Guidelines, 2015. Collection method: clinical testing. Allele origin: germline.

GeneDx
Classification: Likely benign. Last evaluated: 2018-01-31. Review status: criteria provided, single submitter. Criteria: GeneDx Variant Classification (06012015). Collection method: clinical testing. Allele origin: germline. Affected: yes.
Comment: This variant is considered likely benign or benign based on one or more of the following criteria: it is a conservative change, it occurs at a poorly conserved position in the protein, it is predicted to be benign by multiple in silico algorithms, and/or has population frequency not consistent with disease.

NM_000340.2(SLC2A2):c.852G>A (p.Ser284=)

Gene: SLC2A2 (solute carrier family 2 member 2; minus strand). Cytogenetic location: 3q26.2.
Variant type: single nucleotide variant.
Coding change: c.852G>A on transcript NM_000340.2 (MANE Select); coding-DNA position 852, G replaced by A.
Protein change: p.Ser284=; no amino-acid change (serine 284 retained).
Molecular consequence: synonymous variant.
Genome position (GRCh38, 1-based): chr3:171,005,396, C>T on the plus strand (G>A on the coding strand, the complement: SLC2A2 is on the minus strand). VCF-style: chr3-171005396-C-T. GRCh37 (hg19) VCF-style: chr3-170723185-C-T.
Other names: c.495G>A, p.Ser165= (NM_001278658.2); c.333G>A, p.Ser111= (NM_001278659.2).
Identifiers: ClinVar variation 514600 (VCV000514600.10), dbSNP rs371899639, ClinGen allele CA87709424.